The following is an entry in ClinVar:

ClinVar aggregate classification (germline): Likely benign (1 of 4 stars; one submission).

gnomAD v4.1: 12 of 1,614,104 alleles (0.00074%); highest among the groups gnomAD compares: African/African-American, 0.0027%; no homozygotes.

Submission:

CeGaT Center for Human Genetics Tuebingen
Classification: Likely benign. Last evaluated: 2025-03-01. Review status: criteria provided, single submitter. Criteria: CeGaT Center For Human Genetics Tuebingen Variant Classification Criteria Version 2. Collection method: clinical testing. Allele origin: germline. Affected: yes. Observed: 1 variant allele.
Comment: PRKCSH: BP4, BP7

NM_001289104.2(PRKCSH):c.1252C>T (p.Leu418=)

Gene: PRKCSH (PRKCSH beta subunit of glucosidase II; plus strand). Cytogenetic location: 19p13.2.
Variant type: single nucleotide variant.
Coding change: c.1252C>T on transcript NM_001289104.2 (MANE Select); coding-DNA position 1252, C replaced by T.
Protein change: p.Leu418=; no amino-acid change (leucine 418 retained).
Molecular consequence: synonymous variant.
Genome position (GRCh38, 1-based): chr19:11,448,595, C>T. VCF-style: chr19-11448595-C-T. GRCh37 (hg19) VCF-style: chr19-11559410-C-T.
Other names: c.1222C>T, p.Leu408= (NM_001001329.3, NM_001289102.2, NM_001379609.1); c.1252C>T, p.Leu418= (NM_001289103.2); c.1231C>T, p.Leu411= (NM_001379608.1, NM_002743.3).
Identifiers: ClinVar variation 3778174 (VCV003778174.7).